The following is an entry in ClinVar:

NM_001366521.1(ATP2B1):c.3644G>C (p.Ser1215Thr)

Gene: ATP2B1 (ATPase plasma membrane Ca2+ transporting 1; minus strand). Cytogenetic location: 12q21.33.
Variant type: single nucleotide variant.
Coding change: c.3644G>C on transcript NM_001366521.1 (MANE Select); coding-DNA position 3644, G replaced by C.
Protein change: p.Ser1215Thr; replaces serine 1215 with threonine.
Molecular consequence: missense variant. On other transcripts: 3 prime UTR variant (9), non-coding transcript variant (3).
Genome position (GRCh38, 1-based): chr12:89,591,003, C>G on the plus strand (G>C on the coding strand, the complement: ATP2B1 is on the minus strand). VCF-style: chr12-89591003-C-G. GRCh37 (hg19) VCF-style: chr12-89984780-C-G.
Other names: c.*267G>C (NM_001001323.2, NM_001366523.1, NM_001366528.1 and 2 more transcripts); c.3644G>C, p.Ser1215Thr (NM_001366520.1, NM_001366522.1, NM_001413046.1 and 2 more transcripts); c.3731G>C, p.Ser1244Thr (NM_001366524.1, NM_001366525.1); c.*280G>C (NM_001366526.1, NM_001366527.1, NM_001366529.1 and 1 more transcripts); c.3605G>C, p.Ser1202Thr (NM_001413048.1); c.3536G>C, p.Ser1179Thr (NM_001413049.1, NM_001413050.1); c.3503G>C, p.Ser1168Thr (NM_001413051.1, NM_001413052.1); c.3446G>C, p.Ser1149Thr (NM_001413053.1); and 5 more; short protein forms S1028T, S1064T, S1130T, S1132T, S1134T, S1149T, S1168T, S1179T.
Identifiers: ClinVar variation 3906430 (VCV003906430.1).
Genomic context (GRCh38, chr12:89,591,003, plus strand): 5'-TTCTTTACAATGCAGCTAGTGTGTTAACATTCAGCTTACAATCAGAGTGATGTTTCCAAA[C>G]TATGTAGTGGGCTTCCTGGGGATGAAGAGGTAGCAGACTTGTTCATTTCTATTGTAAGGT-3'
Protein context (NP_001353450.1, residues 1205-1220): TSSSPGSPLH[Ser1215Thr]LETSL

ClinVar aggregate classification (germline): Uncertain significance (1 of 4 stars; one submission).

Submission:

GeneDx
Classification: Uncertain significance. Last evaluated: 2024-12-22. Review status: criteria provided, single submitter. Criteria: GeneDx Variant Classification Process June 2021. Collection method: clinical testing. Allele origin: germline. Affected: yes.
Comment: Not observed at significant frequency in large population cohorts (gnomAD); In silico analysis indicates that this missense variant does not alter protein structure/function; Has not been previously published as pathogenic or benign to our knowledge